The following is an entry in ClinVar:

NM_001540.5(HSPB1):c.-15G>A

Gene: HSPB1 (heat shock protein family B (small) member 1; plus strand). Cytogenetic location: 7q11.23.
Variant type: single nucleotide variant.
Coding change: c.-15G>A on transcript NM_001540.5 (MANE Select); 15 bases upstream of the start codon, G replaced by A.
Molecular consequence: 5 prime UTR variant.
Genome position (GRCh38, 1-based): chr7:76,302,698, G>A. VCF-style: chr7-76302698-G-A. GRCh37 (hg19) VCF-style: chr7-75932015-G-A.
Other names: c.-15G>A (LRG_248t1).
Identifiers: ClinVar variation 381810 (VCV000381810.4), dbSNP rs756260929, ClinGen allele CA4306219.
Genomic context (GRCh38, chr7:76,302,698, plus strand): 5'-GAGGAGCATAAAAGCGCAGCCGAGCCCAGCGCCCCGCACTTTTCTGAGCAGACGTCCAGA[G>A]CAGAGTCAGCCAGCATGACCGAGCGCCGCGTCCCCTTCTCGCTCCTGCGGGGCCCCAGCT-3'

ClinVar aggregate classification (germline): Conflicting classifications of pathogenicity. Review status: criteria provided, conflicting classifications (1 of 4 stars). 3 submissions from 3 submitters: Uncertain significance (1); Likely benign (2). Last evaluated 2023-04-06.

Conditions:
Inborn genetic diseases. Identifiers: MedGen C0950123, MeSH D030342.
Charcot-Marie-Tooth disease. Also called: Charcot-Marie-Tooth Neuropathy; Charcot-Marie-Tooth Hereditary Neuropathy. Identifiers: Orphanet 166, MedGen C0007959, MONDO:0015626.

Allele frequency attached by ClinVar (database versions not stated): gnomAD 0.00003 and 0.00004; ExAC 0.00004; gnomAD exomes 0.00005 and 0.00014; TOPMed 0.00006.

Submissions (3):

Ambry Genetics
Classification: Likely benign for Inborn genetic diseases. Last evaluated: 2023-04-06. Review status: criteria provided, single submitter. Criteria: Ambry Variant Classification Scheme 2023. Collection method: clinical testing. Allele origin: germline.

GeneDx
Classification: Likely benign. Last evaluated: 2015-12-01. Review status: criteria provided, single submitter. Criteria: GeneDx Variant Classification (06012015). Collection method: clinical testing. Allele origin: germline. Affected: yes.
Comment: This variant is considered likely benign or benign based on one or more of the following criteria: it is a conservative change, it occurs at a poorly conserved position in the protein, it is predicted to be benign by multiple in silico algorithms, and/or has population frequency not consistent with disease.

Molecular Genetics Laboratory, London Health Sciences Centre
Classification: Uncertain significance for Charcot-Marie-Tooth disease. Review status: criteria provided, single submitter. Criteria: ACMG Guidelines, 2015. Collection method: clinical testing. Allele origin: germline. Affected: yes.